The following is an entry in ClinVar:

ClinVar aggregate classification (germline): Benign/Likely benign. Review status: criteria provided, multiple submitters, no conflicts (2 of 4 stars). 3 submissions from 3 submitters: Benign (1); Likely benign (2). Last evaluated 2025-02-03.

Allele frequency attached by ClinVar (database versions not stated): TOPMed 0.00009; gnomAD 0.00012.
gnomAD v4.1: 128 of 1,549,038 alleles (0.0083%); highest among the groups gnomAD compares: South Asian, 0.05%; 1 homozygote.

Submissions (3):

Labcorp Genetics (formerly Invitae), Labcorp
Classification: Benign. Last evaluated: 2025-02-03. Review status: criteria provided, single submitter. Criteria: Invitae Variant Classification Sherloc (09022015). Collection method: clinical testing. Allele origin: germline.

CeGaT Center for Human Genetics Tuebingen
Classification: Likely benign. Last evaluated: 2024-05-01. Review status: criteria provided, single submitter. Criteria: CeGaT Center For Human Genetics Tuebingen Variant Classification Criteria Version 2. Collection method: clinical testing. Allele origin: germline. Affected: yes. Observed: 1 variant allele.
Comment: PIEZO1: BP4, BP7

Blueprint Genetics
Classification: Likely benign. Last evaluated: 2024-04-09. Review status: criteria provided, single submitter. Criteria: ACMG Guidelines, 2015. Collection method: clinical testing. Allele origin: germline.

NM_001142864.4(PIEZO1):c.4608C>T (p.His1536=)

Gene: PIEZO1 (piezo type mechanosensitive ion channel component 1 (Er blood group); minus strand). Cytogenetic location: 16q24.3.
Variant type: single nucleotide variant.
Coding change: c.4608C>T on transcript NM_001142864.4 (MANE Select); coding-DNA position 4608, C replaced by T.
Protein change: p.His1536=; no amino-acid change (histidine 1536 retained).
Molecular consequence: synonymous variant.
Genome position (GRCh38, 1-based): chr16:88,722,897, G>A on the plus strand (C>T on the coding strand, the complement: PIEZO1 is on the minus strand). VCF-style: chr16-88722897-G-A. GRCh37 (hg19) VCF-style: chr16-88789305-G-A.
Other names: c.3150C>T, p.His1050= (NM_014745.1).
Identifiers: ClinVar variation 3239040 (VCV003239040.22), dbSNP rs747640715.